The following is an entry in ClinVar:

NM_000742.4(CHRNA2):c.1477T>G (p.Trp493Gly)

Gene: CHRNA2 (cholinergic receptor nicotinic alpha 2 subunit; minus strand). Cytogenetic location: 8p21.2.
Variant type: single nucleotide variant.
Coding change: c.1477T>G on transcript NM_000742.4 (MANE Select); coding-DNA position 1477, T replaced by G.
Protein change: p.Trp493Gly; replaces tryptophan 493 with glycine.
Molecular consequence: missense variant.
Genome position (GRCh38, 1-based): chr8:27,461,742, A>C on the plus strand (T>G on the coding strand, the complement: CHRNA2 is on the minus strand). VCF-style: chr8-27461742-A-C. GRCh37 (hg19) VCF-style: chr8-27319259-A-C.
Other names: c.1432T>G, p.Trp478Gly (NM_001282455.2); c.1000T>G, p.Trp334Gly (NM_001347705.2, NM_001347706.2); c.883T>G, p.Trp295Gly (NM_001347707.2, NM_001347708.2); short protein forms W295G, W334G, W478G, W493G.
Identifiers: ClinVar variation 4536175 (VCV004536175.1).
Genomic context (GRCh38, chr8:27,461,742, plus strand): 5'-AGCAGACGATGATAAACAGCCAGAGGAAGATCCTGTCGATGACCATGGCAACATACTTCC[A>C]GTCCTCCTTCACCTGTGGGGAAGACAGCACACAGTGACAGGGGCCAGGCCTGGGAAAGGG-3'
Protein context (NP_000733.2, residues 483-503): EDADSSVKED[Trp493Gly]KYVAMVIDRI

ClinVar aggregate classification (germline): Uncertain significance (1 of 4 stars; one submission).

gnomAD v4.1: 1 of 1,614,154 alleles (0.000062%); highest among the groups gnomAD compares: Non-Finnish European, 0.000085%; no homozygotes.

Submission:

GeneDx
Classification: Uncertain significance. Last evaluated: 2025-06-08. Review status: criteria provided, single submitter. Criteria: GeneDx Variant Classification Process June 2021. Collection method: clinical testing. Allele origin: germline. Affected: yes.
Comment: Not observed at significant frequency in large population cohorts (gnomAD); In silico analysis supports that this missense variant has a deleterious effect on protein structure/function; Has not been previously published as pathogenic or benign to our knowledge